The following is an entry in ClinVar:

ClinVar aggregate classification (germline): Uncertain significance. Review status: criteria provided, multiple submitters, no conflicts (2 of 4 stars). 2 submissions from 2 submitters: Uncertain significance (2). Last evaluated 2025-12-17.

Conditions:
BBS4-related disorder. Also called: BBS4-related condition.

Submissions (2):

PreventionGenetics, part of Exact Sciences
Classification: Uncertain significance for BBS4-related condition. Last evaluated: 2025-12-17. Review status: criteria provided, single submitter. Criteria: ACMG Guidelines, 2015. Collection method: clinical testing. Allele origin: germline.
Comment: The BBS4 c.1069G>A variant is predicted to result in the amino acid substitution p.Ala357Thr. To our knowledge, this variant has not been reported in the literature or in a large population database (gnomAD), indicating this variant is rare. At this time, the clinical significance of this variant is uncertain due to the absence of conclusive functional and genetic evidence.

Blueprint Genetics
Classification: Uncertain significance. Last evaluated: 2022-09-08. Review status: criteria provided, single submitter. Criteria: ACMG Guidelines, 2015. Collection method: clinical testing. Allele origin: germline.

NM_033028.5(BBS4):c.1069G>A (p.Ala357Thr)

Gene: BBS4 (Bardet-Biedl syndrome 4; plus strand). Cytogenetic location: 15q24.1.
Variant type: single nucleotide variant.
Coding change: c.1069G>A on transcript NM_033028.5 (MANE Select); coding-DNA position 1069, G replaced by A.
Protein change: p.Ala357Thr; replaces alanine 357 with threonine.
Molecular consequence: missense variant. On other transcripts: non-coding transcript variant (2).
Genome position (GRCh38, 1-based): chr15:72,735,145, G>A. VCF-style: chr15-72735145-G-A. GRCh37 (hg19) VCF-style: chr15-73027486-G-A.
Other names: c.553G>A, p.Ala185Thr (NM_001252678.2); c.1000G>A, p.Ala334Thr (NM_001320665.2); c.1069G>A (NM_033028.4); short protein forms A334T, A185T, A357T.
Identifiers: ClinVar variation 4925762 (VCV004925762.2).